The following is an entry in ClinVar:

NM_015512.5(DNAH1):c.1138G>A (p.Ala380Thr)

Gene: DNAH1 (dynein axonemal heavy chain 1; plus strand). Cytogenetic location: 3p21.1.
Variant type: single nucleotide variant.
Coding change: c.1138G>A on transcript NM_015512.5 (MANE Select); coding-DNA position 1138, G replaced by A.
Protein change: p.Ala380Thr; replaces alanine 380 with threonine.
Molecular consequence: missense variant.
Genome position (GRCh38, 1-based): chr3:52,332,246, G>A. VCF-style: chr3-52332246-G-A. GRCh37 (hg19) VCF-style: chr3-52366262-G-A.
Other names: short protein forms A380T.
Identifiers: ClinVar variation 1011657 (VCV001011657.4), dbSNP rs564408891, ClinGen allele CA2432884.

ClinVar aggregate classification (germline): Uncertain significance (1 of 4 stars; one submission).

Conditions:
Spermatogenic failure 18. Identifiers: MedGen C4539783, MONDO:0054615, OMIM 617576.
Ciliary dyskinesia, primary, 37 (CILD37). Also called: CILIARY DYSKINESIA, PRIMARY, 37, WITH OR WITHOUT SITUS INVERSUS. Identifiers: MedGen C4539798, MONDO:0033204, OMIM 617577.

Allele frequency attached by ClinVar (database versions not stated): gnomAD 0.00003 and 0.00004; gnomAD exomes 0.00007 and 0.00012; ExAC 0.00011; TOPMed 0.00012; 1000 Genomes Project 0.00020; 1000 Genomes Project 30x 0.00031.
gnomAD v4.1: 103 of 1,613,978 alleles (0.0064%); highest among the groups gnomAD compares: East Asian, 0.16%; no homozygotes.

Submission:

Labcorp Genetics (formerly Invitae), Labcorp
Classification: Uncertain significance for Ciliary dyskinesia, primary, 37; Spermatogenic failure 18. Last evaluated: 2022-08-05. Review status: criteria provided, single submitter. Criteria: Invitae Variant Classification Sherloc (09022015). Collection method: clinical testing. Allele origin: germline.
Comment: This variant is present in population databases (rs564408891, gnomAD 0.1%). This variant has not been reported in the literature in individuals affected with DNAH1-related conditions. This sequence change replaces alanine, which is neutral and non-polar, with threonine, which is neutral and polar, at codon 380 of the DNAH1 protein (p.Ala380Thr). ClinVar contains an entry for this variant (Variation ID: 1011657). In summary, the available evidence is currently insufficient to determine the role of this variant in disease. Therefore, it has been classified as a Variant of Uncertain Significance. Algorithms developed to predict the effect of missense changes on protein structure and function output the following: SIFT: "Tolerated"; PolyPhen-2: "Benign"; Align-GVGD: "Class C0". The threonine amino acid residue is found in multiple mammalian species, which suggests that this missense change does not adversely affect protein function.